The following is an entry in ClinVar:

NM_006612.6(KIF1C):c.1964G>A (p.Arg655Gln)

Genes: KIF1C (kinesin family member 1C; plus strand), LOC126862473 (CDK7 strongly-dependent group 2 enhancer GRCh37_chr17:4923264-4924463; plus strand). Cytogenetic location: 17p13.2.
Variant type: single nucleotide variant.
Coding change: c.1964G>A on transcript NM_006612.6 (MANE Select); coding-DNA position 1964, G replaced by A.
Protein change: p.Arg655Gln; replaces arginine 655 with glutamine.
Molecular consequence: missense variant.
Genome position (GRCh38, 1-based): chr17:5,020,832, G>A. VCF-style: chr17-5020832-G-A. GRCh37 (hg19) VCF-style: chr17-4924127-G-A.
Other names: short protein forms R655Q.
Identifiers: ClinVar variation 2570968 (VCV002570968.27), dbSNP rs1320673365, ClinGen allele CA397310765.

ClinVar aggregate classification (germline): Uncertain significance (1 of 4 stars; one submission).

Allele frequency attached by ClinVar (database versions not stated): TOPMed below 0.00001; gnomAD exomes 0.00001.
gnomAD v4.1: 14 of 1,591,310 alleles (0.00088%); highest among the groups gnomAD compares: Non-Finnish European, 0.0011%; no homozygotes.

Submission:

CeGaT Center for Human Genetics Tuebingen
Classification: Uncertain significance. Last evaluated: 2023-06-01. Review status: criteria provided, single submitter. Criteria: CeGaT Center For Human Genetics Tuebingen Variant Classification Criteria Version 2. Collection method: clinical testing. Allele origin: germline. Affected: yes. Observed: 1 variant allele.
Comment: KIF1C: PM2, BP4